The following is an entry in ClinVar:

NM_018979.4(WNK1):c.2139+2830_2139+2836del

Gene: WNK1 (WNK lysine deficient protein kinase 1; plus strand). Cytogenetic location: 12p13.33.
Variant type: Deletion.
Coding change: c.2139+2830_2139+2836del on transcript NM_018979.4 (MANE Select); bases 2830 to 2836 of the intron after coding-DNA position 2139, 7 bases deleted (TTGTGTT; older notation c.2139+2830_2139+2836delTTGTGTT).
Molecular consequence: intron variant.
Genome position (GRCh38, 1-based): chr12:865,100-865,106, TTGTGTT deleted; deleting any 7 consecutive bases within chr12:865,096-865,106 gives the same sequence; the c. name uses the placement nearest the transcript's 3' end. VCF-style (leftmost placement, unchanged base first): chr12-865095-TTGTTTTG-T. GRCh37 (hg19) VCF-style: chr12-974261-TTGTTTTG-T.
Other names: c.2140-10_2140-4del (NM_213655.5); c.2140-2766_2140-2760del (NM_001184985.2); c.2139+2830_2139+2836del (NM_014823.3).
Identifiers: ClinVar variation 655247 (VCV000655247.8), dbSNP rs773573905, ClinGen allele CA231495039.

ClinVar aggregate classification (germline): Uncertain significance (1 of 4 stars; one submission).

Conditions:
Pseudohypoaldosteronism type 2C (PHA2C). Also called: Pseudohypoaldosteronism Type IIC. Identifiers: Orphanet 757, Orphanet 88940, MedGen C1840391, MONDO:0013778, OMIM 614492.
Neuropathy, hereditary sensory and autonomic, type 2A (HSAN2A). Also called: ACROOSTEOLYSIS, GIACCAI TYPE; ACROOSTEOLYSIS, NEUROGENIC; HSAN IIA; WNK1-Related HSAN2 (HSAN2A); MORVAN DISEASE; NEUROPATHY, CONGENITAL SENSORY. Identifiers: Orphanet 970, MedGen C2752089, MONDO:0024309, OMIM 201300.

Submission:

Labcorp Genetics (formerly Invitae), Labcorp
Classification: Uncertain significance for Neuropathy, hereditary sensory and autonomic, type 2A; Pseudohypoaldosteronism type 2C. Last evaluated: 2025-12-31. Review status: criteria provided, single submitter. Criteria: Invitae Variant Classification Sherloc (09022015). Collection method: clinical testing. Allele origin: germline.
Comment: This sequence change falls in intron 8 of the WNK1 gene. It does not directly change the encoded amino acid sequence of the WNK1 protein. This variant is present in population databases (rs773573905, gnomAD 0.007%). This variant has not been reported in the literature in individuals affected with WNK1-related conditions. ClinVar contains an entry for this variant (Variation ID: 655247). Algorithms developed to predict the effect of sequence changes on RNA splicing suggest that this variant may create or strengthen a splice site. In summary, the available evidence is currently insufficient to determine the role of this variant in disease. Therefore, it has been classified as a Variant of Uncertain Significance.